The following is an entry in ClinVar:

NM_001386298.1(CIC):c.1631del (p.Gly544fs)

Gene: CIC (capicua transcriptional repressor; plus strand). Cytogenetic location: 19q13.2.
Variant type: Deletion.
Coding change: c.1631del on transcript NM_001386298.1 (MANE Select); coding-DNA position 1631, one base deleted (G; older notation c.1631delG).
Protein change: p.Gly544fs; shifts the reading frame from glycine 544.
Molecular consequence: frameshift variant.
Genome position (GRCh38, 1-based): chr19:42,273,414, G deleted; the last of 3 consecutive G bases (chr19:42,273,412-42,273,414); deleting any one gives the same sequence. VCF-style (leftmost placement, unchanged base first): chr19-42273411-CG-C. GRCh37 (hg19) VCF-style: chr19-42777563-CG-C.
Other names: c.1631del, p.Gly544fs (NM_001304815.2, NM_001379480.1, NM_001379482.1); c.1631delG, p.Gly544Alafs (NM_001379483.1); short protein forms G544fs.
Identifiers: ClinVar variation 3027449 (VCV003027449.1), dbSNP rs2513605675, ClinGen allele CA2740096920.
Genomic context (GRCh38, chr19:42,273,411, plus strand): 5'-GCCACCTGTCCATGCGAACCAAAGAGATGGAAGGCCTGGCAGACAGTGGGCCTGGCGGGG[CG>C]GGCCGGCCCGCGGCCGTGGCAGCCCGTGAGGGCAGCACGGAGTTTGACTGGGGTGATGAG-3'

ClinVar aggregate classification (germline): Likely pathogenic (1 of 4 stars; one submission).

Conditions:
Intellectual developmental disorder, autosomal dominant 45. Also called: MENTAL RETARDATION, AUTOSOMAL DOMINANT 45; Intellectual disability, autosomal dominant 45. Identifiers: MedGen C4539848, MONDO:0030910, OMIM 617600.

Submission:

Human Genetics Bochum, Ruhr University Bochum
Classification: Likely pathogenic for Intellectual developmental disorder, autosomal dominant 45. Last evaluated: 2023-11-13. Review status: criteria provided, single submitter. Criteria: ACMG Guidelines, 2015. Collection method: clinical testing. Allele origin: germline. Affected: yes.
Comment: ACMG criteria used to clasify this variant: PVS1, PM2_SUP